The following is an entry in ClinVar:

NM_020975.6(RET):c.2254T>C (p.Tyr752His)

Gene: RET (ret proto-oncogene; plus strand). Cytogenetic location: 10q11.21.
Variant type: single nucleotide variant.
Coding change: c.2254T>C on transcript NM_020975.6 (MANE Select); coding-DNA position 2254, T replaced by C.
Protein change: p.Tyr752His; replaces tyrosine 752 with histidine.
Molecular consequence: missense variant.
Genome position (GRCh38, 1-based): chr10:43,116,701, T>C. VCF-style: chr10-43116701-T-C. GRCh37 (hg19) VCF-style: chr10-43612149-T-C.
Other names: c.2254T>C, p.Tyr752His (NM_000323.2, NM_001406743.1, NM_001406744.1 and 4 more transcripts); c.1492T>C, p.Tyr498His (NM_001355216.2); c.2125T>C, p.Tyr709His (NM_001406761.1, NM_001406762.1, NM_001406764.1); c.2119T>C, p.Tyr707His (NM_001406763.1, NM_001406765.1); c.1966T>C, p.Tyr656His (NM_001406766.1, NM_001406767.1, NM_001406770.1); c.1990T>C, p.Tyr664His (NM_001406768.1); c.1858T>C, p.Tyr620His (NM_001406769.1, NM_001406772.1); c.1816T>C, p.Tyr606His (NM_001406771.1, NM_001406773.1); and 10 more; short protein forms Y752H, Y498H, Y357H, Y408H, Y410H, Y620H, Y317H, Y577H.
Identifiers: ClinVar variation 486311 (VCV000486311.20), dbSNP rs984978805, ClinGen allele CA206263748.

ClinVar aggregate classification (germline): Uncertain significance. Review status: criteria provided, multiple submitters, no conflicts (2 of 4 stars). 5 submissions from 5 submitters: Uncertain significance (5). Last evaluated 2026-01-14.

Conditions:
Hereditary cancer-predisposing syndrome. Also called: Tumor predisposition; Hereditary Cancer Syndrome; Hereditary neoplastic syndrome; Neoplastic Syndromes, Hereditary. Identifiers: Orphanet 140162, MedGen C0027672, MeSH D009386, MONDO:0015356.
Multiple endocrine neoplasia, type 2 (MEN2). Identifiers: Orphanet 653, MedGen C4048306, MONDO:0019003. Disease mechanism: gain of function.
Hirschsprung disease, susceptibility to, 1 (HSCR1). Also called: RET-Related Hirschsprung Disease. Identifiers: Orphanet 388, MedGen C3888239, MONDO:0007723, OMIM 142623.

Allele frequency attached by ClinVar (database versions not stated): gnomAD exomes below 0.00001 and 0.00001.
gnomAD v4.1: 9 of 1,589,846 alleles (0.00057%); highest among the groups gnomAD compares: Non-Finnish European, 0.00069%; no homozygotes.

Submissions (5):

Labcorp Genetics (formerly Invitae), Labcorp
Classification: Uncertain significance for Multiple endocrine neoplasia, type 2. Last evaluated: 2026-01-14. Review status: criteria provided, single submitter. Criteria: Invitae Variant Classification Sherloc (09022015). Collection method: clinical testing. Allele origin: germline.
Comment: This sequence change replaces tyrosine, which is neutral and polar, with histidine, which is basic and polar, at codon 752 of the RET protein (p.Tyr752His). This variant is present in population databases (no rsID available, gnomAD 0.0009%). This variant has not been reported in the literature in individuals affected with RET-related conditions. ClinVar contains an entry for this variant (Variation ID: 486311). An algorithm developed to predict the effect of missense changes on protein structure and function (PolyPhen-2) suggests that this variant is likely to be disruptive. In summary, the available evidence is currently insufficient to determine the role of this variant in disease. Therefore, it has been classified as a Variant of Uncertain Significance.

Ambry Genetics
Classification: Uncertain significance for Hereditary cancer-predisposing syndrome. Last evaluated: 2025-10-07. Review status: criteria provided, single submitter. Criteria: Ambry Variant Classification Scheme 2023. Collection method: clinical testing. Allele origin: germline.
Comment: The p.Y752H variant (also known as c.2254T>C), located in coding exon 12 of the RET gene, results from a T to C substitution at nucleotide position 2254. The tyrosine at codon 752 is replaced by histidine, an amino acid with similar properties. This amino acid position is highly conserved in available vertebrate species. In addition, the in silico prediction for this alteration is inconclusive. Based on the available evidence, the clinical significance of this variant remains unclear.

Color Diagnostics, LLC DBA Color Health
Classification: Uncertain significance for Multiple endocrine neoplasia, type 2. Last evaluated: 2025-07-10. Review status: criteria provided, single submitter. Criteria: ACMG Guidelines, 2015. Collection method: clinical testing. Allele origin: germline.
Comment: This missense variant replaces tyrosine with histidine at codon 752 of the RET protein. Computational prediction is inconclusive regarding the impact of this variant on protein structure and function. To our knowledge, functional studies have not been reported for this variant. This variant has not been reported in individuals affected with RET-related disorders in the literature. This variant has been identified in 1/251456 chromosomes in the general population by the Genome Aggregation Database (gnomAD). The available evidence is insufficient to determine the role of this variant in disease conclusively. Therefore, this variant is classified as a Variant of Uncertain Significance.

Baylor Genetics
Classification: Uncertain significance for Hirschsprung disease, susceptibility to, 1. Last evaluated: 2023-12-12. Review status: criteria provided, single submitter. Criteria: ACMG Guidelines, 2015. Collection method: clinical testing. Allele origin: unknown.

GeneDx
Classification: Uncertain significance. Last evaluated: 2023-03-29. Review status: criteria provided, single submitter. Criteria: GeneDx Variant Classification Process June 2021. Collection method: clinical testing. Allele origin: germline. Affected: yes.
Comment: Not observed at significant frequency in large population cohorts (gnomAD); In silico analysis supports that this missense variant has a deleterious effect on protein structure/function; Has not been previously published as pathogenic or benign to our knowledge; This variant is associated with the following publications: (PMID: 14633923)